The following is an entry in ClinVar:

ClinVar aggregate classification (germline): Uncertain significance (1 of 4 stars; one submission).

Allele frequency attached by ClinVar (database versions not stated): gnomAD exomes below 0.00001; TOPMed 0.00002.
gnomAD v4.1: 4 of 1,551,324 alleles (0.00026%); highest among the groups gnomAD compares: Non-Finnish European, 0.00026%; no homozygotes.

Submission:

Labcorp Genetics (formerly Invitae), Labcorp
Classification: Uncertain significance. Last evaluated: 2022-04-08. Review status: criteria provided, single submitter. Criteria: Invitae Variant Classification Sherloc (09022015). Collection method: clinical testing. Allele origin: germline.
Comment: This sequence change replaces isoleucine, which is neutral and non-polar, with methionine, which is neutral and non-polar, at codon 1361 of the EYS protein (p.Ile1361Met). This variant is not present in population databases (gnomAD no frequency). This variant has not been reported in the literature in individuals affected with EYS-related conditions. Algorithms developed to predict the effect of missense changes on protein structure and function (SIFT, PolyPhen-2, Align-GVGD) all suggest that this variant is likely to be tolerated. In summary, the available evidence is currently insufficient to determine the role of this variant in disease. Therefore, it has been classified as a Variant of Uncertain Significance.

NM_001142800.2(EYS):c.4083T>G (p.Ile1361Met)

Gene: EYS (eyes shut homolog; minus strand). Cytogenetic location: 6q12.
Variant type: single nucleotide variant.
Coding change: c.4083T>G on transcript NM_001142800.2 (MANE Select); coding-DNA position 4083, T replaced by G.
Protein change: p.Ile1361Met; replaces isoleucine 1361 with methionine.
Molecular consequence: missense variant.
Genome position (GRCh38, 1-based): chr6:64,591,784, A>C on the plus strand (T>G on the coding strand, the complement: EYS is on the minus strand). VCF-style: chr6-64591784-A-C. GRCh37 (hg19) VCF-style: chr6-65301677-A-C.
Other names: c.4083T>G, p.Ile1361Met (NM_001292009.2); short protein forms I1361M.
Identifiers: ClinVar variation 2159737 (VCV002159737.1), dbSNP rs987375336, ClinGen allele CA140340973.